The following is an entry in ClinVar:

NM_001184.4(ATR):c.7630C>T (p.Arg2544Cys)

Gene: ATR (ATR checkpoint kinase; minus strand). Cytogenetic location: 3q23.
Variant type: single nucleotide variant.
Coding change: c.7630C>T on transcript NM_001184.4 (MANE Select); coding-DNA position 7630, C replaced by T.
Protein change: p.Arg2544Cys; replaces arginine 2544 with cysteine.
Molecular consequence: missense variant.
Genome position (GRCh38, 1-based): chr3:142,457,629, G>A on the plus strand (C>T on the coding strand, the complement: ATR is on the minus strand). VCF-style: chr3-142457629-G-A. GRCh37 (hg19) VCF-style: chr3-142176471-G-A.
Other names: c.7438C>T, p.Arg2480Cys (NM_001354579.2); short protein forms R2544C, R2480C.
Identifiers: ClinVar variation 2614069 (VCV002614069.2), dbSNP rs1193437141, ClinGen allele CA354794709.

ClinVar aggregate classification (germline): Uncertain significance (1 of 4 stars; one submission).

Conditions:
Inborn genetic diseases. Identifiers: MedGen C0950123, MeSH D030342.

Allele frequency attached by ClinVar (database versions not stated): TOPMed 0.00001.
gnomAD v4.1: 5 of 1,613,928 alleles (0.00031%); highest among the groups gnomAD compares: Non-Finnish European, 0.00042%; no homozygotes.

Submission:

Ambry Genetics
Classification: Uncertain significance for Inborn genetic diseases. Last evaluated: 2023-08-30. Review status: criteria provided, single submitter. Criteria: Ambry Variant Classification Scheme 2023. Collection method: clinical testing. Allele origin: germline.
Comment: The p.R2544C variant (also known as c.7630C>T), located in coding exon 45 of the ATR gene, results from a C to T substitution at nucleotide position 7630. The arginine at codon 2544 is replaced by cysteine, an amino acid with highly dissimilar properties. This amino acid position is conserved. In addition, this alteration is predicted to be deleterious by in silico analysis. Since supporting evidence is limited at this time, the clinical significance of this alteration remains unclear.